The following is an entry in ClinVar:

NM_001366385.1(CARD14):c.348C>T (p.Ser116=)

Gene: CARD14 (caspase recruitment domain family member 14; plus strand). Cytogenetic location: 17q25.3.
Variant type: single nucleotide variant.
Coding change: c.348C>T on transcript NM_001366385.1 (MANE Select); coding-DNA position 348, C replaced by T.
Protein change: p.Ser116=; no amino-acid change (serine 116 retained).
Molecular consequence: synonymous variant. On other transcripts: non-coding transcript variant (1).
Genome position (GRCh38, 1-based): chr17:80,182,789, C>T. VCF-style: chr17-80182789-C-T. GRCh37 (hg19) VCF-style: chr17-78156588-C-T.
Other names: c.348C>T, p.Ser116= (NM_001257970.1, NM_024110.4).
Identifiers: ClinVar variation 659668 (VCV000659668.12), dbSNP rs775819149, ClinGen allele CA8816395.

ClinVar aggregate classification (germline): Uncertain significance. Review status: criteria provided, multiple submitters, no conflicts (2 of 4 stars). 2 submissions from 2 submitters: Uncertain significance (2). Last evaluated 2023-11-27.

Conditions:
Pityriasis rubra pilaris (PRP). Also called: Pityriasis rubra pilaris--familial type. Identifiers: Orphanet 2897, MedGen C0032027, MONDO:0100017, OMIM 173200, MONDO:0008251.
Psoriasis 2. Identifiers: MedGen C1864497, MONDO:0011269, OMIM 602723.
Autoinflammatory syndrome. Identifiers: Orphanet 93665, MedGen C3890737, MONDO:0019751.

Allele frequency attached by ClinVar (database versions not stated): gnomAD 0.00001; gnomAD exomes 0.00001; ExAC 0.00002; TOPMed 0.00005.
gnomAD v4.1: 12 of 1,613,994 alleles (0.00074%); highest among the groups gnomAD compares: Middle Eastern, 0.016%; no homozygotes.

Submissions (2):

Labcorp Genetics (formerly Invitae), Labcorp
Classification: Uncertain significance for Pityriasis rubra pilaris; Psoriasis 2. Last evaluated: 2023-11-27. Review status: criteria provided, single submitter. Criteria: Invitae Variant Classification Sherloc (09022015). Collection method: clinical testing. Allele origin: germline.
Comment: This sequence change affects codon 116 of the CARD14 mRNA. It is a 'silent' change, meaning that it does not change the encoded amino acid sequence of the CARD14 protein. It affects a nucleotide within the consensus splice site. This variant is present in population databases (rs775819149, gnomAD 0.006%). This variant has not been reported in the literature in individuals affected with CARD14-related conditions. ClinVar contains an entry for this variant (Variation ID: 659668). Algorithms developed to predict the effect of sequence changes on RNA splicing suggest that this variant is not likely to affect RNA splicing. In summary, the available evidence is currently insufficient to determine the role of this variant in disease. Therefore, it has been classified as a Variant of Uncertain Significance.

Genome Diagnostics Laboratory, The Hospital for Sick Children
Classification: Uncertain significance for Autoinflammatory syndrome. Last evaluated: 2021-07-13. Review status: criteria provided, single submitter. Criteria: ACMG Guidelines, 2015. Collection method: clinical testing. Allele origin: germline. Affected: yes.